The following is an entry in ClinVar:

ClinVar aggregate classification (germline): Uncertain significance. Review status: criteria provided, multiple submitters, no conflicts (2 of 4 stars). 2 submissions from 2 submitters: Uncertain significance (2). Last evaluated 2023-07-24.

Conditions:
Multiple acyl-CoA dehydrogenase deficiency (MADD). Also called: ETHYLMALONIC-ADIPICACIDURIA; GA II; Glutaric aciduria, type 2; Glutaric Acidemia type 2; Glutaric acidemia type II; GA 2. Identifiers: Orphanet 26791, MedGen C0268596, MONDO:0009282, OMIM 231680.

Allele frequency attached by ClinVar (database versions not stated): gnomAD exomes below 0.00001.
gnomAD v4.1: 2 of 1,613,290 alleles (0.00012%); highest among the groups gnomAD compares: Non-Finnish European, 0.00017%; no homozygotes.

Submissions (2):

Blueprint Genetics
Classification: Uncertain significance. Last evaluated: 2023-07-24. Review status: criteria provided, single submitter. Criteria: ACMG Guidelines, 2015. Collection method: clinical testing. Allele origin: germline.

Labcorp Genetics (formerly Invitae), Labcorp
Classification: Uncertain significance for Multiple acyl-CoA dehydrogenase deficiency. Last evaluated: 2022-08-27. Review status: criteria provided, single submitter. Criteria: Invitae Variant Classification Sherloc (09022015). Collection method: clinical testing. Allele origin: germline.
Comment: In summary, the available evidence is currently insufficient to determine the role of this variant in disease. Therefore, it has been classified as a Variant of Uncertain Significance. Advanced modeling of protein sequence and biophysical properties (such as structural, functional, and spatial information, amino acid conservation, physicochemical variation, residue mobility, and thermodynamic stability) performed at Invitae indicates that this missense variant is not expected to disrupt ETFDH protein function. This variant has not been reported in the literature in individuals affected with ETFDH-related conditions. This variant is not present in population databases (gnomAD no frequency). This sequence change replaces isoleucine, which is neutral and non-polar, with leucine, which is neutral and non-polar, at codon 552 of the ETFDH protein (p.Ile552Leu).

NM_004453.4(ETFDH):c.1654A>C (p.Ile552Leu)

Gene: ETFDH (electron transfer flavoprotein dehydrogenase; plus strand). Cytogenetic location: 4q32.1.
Variant type: single nucleotide variant.
Coding change: c.1654A>C on transcript NM_004453.4 (MANE Select); coding-DNA position 1654, A replaced by C.
Protein change: p.Ile552Leu; replaces isoleucine 552 with leucine.
Molecular consequence: missense variant.
Genome position (GRCh38, 1-based): chr4:158,706,814, A>C. VCF-style: chr4-158706814-A-C. GRCh37 (hg19) VCF-style: chr4-159627966-A-C.
Other names: c.1513A>C, p.Ile505Leu (NM_001281737.2); c.1471A>C, p.Ile491Leu (NM_001281738.1); short protein forms I505L, I552L, I491L.
Identifiers: ClinVar variation 2198393 (VCV002198393.3), dbSNP rs2476736042, ClinGen allele CA358565122.